The following is an entry in ClinVar:

NM_001367871.1(FBRSL1):c.1434+6T>C

Gene: FBRSL1 (fibrosin like 1; plus strand). Cytogenetic location: 12q24.33.
Variant type: single nucleotide variant.
Coding change: c.1434+6T>C on transcript NM_001367871.1 (MANE Select); 6 bases into the intron after coding-DNA position 1434, T replaced by C.
Molecular consequence: intron variant.
Genome position (GRCh38, 1-based): chr12:132,572,350, T>C. VCF-style: chr12-132572350-T-C. GRCh37 (hg19) VCF-style: chr12-133148936-T-C.
Other names: c.1488+6T>C (NM_001382739.1, NM_001142641.2); c.1213+1810T>C (NM_001382740.1).
Identifiers: ClinVar variation 4536423 (VCV004536423.1).
Genomic context (GRCh38, chr12:132,572,350, plus strand): 5'-TGACAAGTATGCGCCCAAGCTGGACAGCCCCTACTTCCGACATTCCAGCGTGAGTGTGAG[T>C]GTCCCCGAGGGGCCCGGCGCGTGTCGCTGTGCACGCAGGTCCTGGCCACGGGGCGGTGGG-3'

ClinVar aggregate classification (germline): Uncertain significance (1 of 4 stars; one submission).

Submission:

GeneDx
Classification: Uncertain significance. Last evaluated: 2025-05-30. Review status: criteria provided, single submitter. Criteria: GeneDx Variant Classification Process June 2021. Collection method: clinical testing. Allele origin: germline. Affected: yes.
Comment: Not observed at significant frequency in large population cohorts (gnomAD); Has not been previously published as pathogenic or benign to our knowledge; In silico analysis is inconclusive as to whether the variant alters gene splicing. In the absence of RNA/functional studies, the actual effect of this sequence change is unknown.